The following is an entry in ClinVar:

NM_001164760.2(PRKAR1B):c.535C>G (p.Gln179Glu)

Genes: PRKAR1B (protein kinase cAMP-dependent type I regulatory subunit beta; minus strand), PRKAR1B-AS1 (PRKAR1B antisense RNA 1; plus strand). Cytogenetic location: 7p22.3.
Variant type: single nucleotide variant.
Coding change: c.535C>G on transcript NM_001164760.2 (MANE Select); coding-DNA position 535, C replaced by G.
Protein change: p.Gln179Glu; replaces glutamine 179 with glutamic acid.
Molecular consequence: missense variant.
Genome position (GRCh38, 1-based): chr7:606,207, G>C on the plus strand (C>G on the coding strand, the complement: PRKAR1B is on the minus strand). VCF-style: chr7-606207-G-C. GRCh37 (hg19) VCF-style: chr7-645844-G-C.
Other names: c.535C>G, p.Gln179Glu (NM_001164758.2, NM_001164759.1, NM_001164761.2 and 2 more transcripts); short protein forms Q179E.
Identifiers: ClinVar variation 4686099 (VCV004686099.1).

ClinVar aggregate classification (germline): Uncertain significance (1 of 4 stars; one submission).

gnomAD v4.1: 2 of 1,613,818 alleles (0.00012%); highest among the groups gnomAD compares: African/African-American, 0.0027%; no homozygotes.

Submission:

GeneDx
Classification: Uncertain significance. Last evaluated: 2025-07-18. Review status: criteria provided, single submitter. Criteria: GeneDx Variant Classification Process June 2021. Collection method: clinical testing. Allele origin: germline. Affected: yes.
Comment: Not observed at significant frequency in large population cohorts (gnomAD); In silico analysis suggests that this missense variant does not alter protein structure/function; Has not been previously published as pathogenic or benign to our knowledge